The following is an entry in ClinVar:

NM_004168.4(SDHA):c.1846A>G (p.Lys616Glu)

Gene: SDHA (succinate dehydrogenase complex flavoprotein subunit A; plus strand). Cytogenetic location: 5p15.33.
Variant type: single nucleotide variant.
Coding change: c.1846A>G on transcript NM_004168.4 (MANE Select); coding-DNA position 1846, A replaced by G.
Protein change: p.Lys616Glu; replaces lysine 616 with glutamic acid.
Molecular consequence: missense variant.
Genome position (GRCh38, 1-based): chr5:254,444, A>G. VCF-style: chr5-254444-A-G. GRCh37 (hg19) VCF-style: chr5-254559-A-G.
Other names: c.1702A>G, p.Lys568Glu (NM_001294332.2); c.1603A>G, p.Lys535Glu (NM_001330758.2); c.1846A>G (NM_004168.2); short protein forms K568E, K616E, K535E.
Identifiers: ClinVar variation 848077 (VCV000848077.12), dbSNP rs1453752069, ClinGen allele CA359001926.

ClinVar aggregate classification (germline): Uncertain significance. Review status: criteria provided, multiple submitters, no conflicts (2 of 4 stars). 2 submissions from 2 submitters: Uncertain significance (2). Last evaluated 2025-10-23.

Conditions:
Pheochromocytoma/paraganglioma syndrome 5. Also called: Paragangliomas 5; SDHA-Related Hereditary Paraganglioma-Pheochromocytoma Syndrome. Identifiers: Orphanet 29072, MedGen C3279992, MONDO:0013602, OMIM 614165.
Mitochondrial complex II deficiency, nuclear type 1. Also called: SUCCINATE CoQ REDUCTASE DEFICIENCY. Identifiers: Orphanet 3208, MedGen C5700310, MONDO:0100294, OMIM 252011.
Hereditary cancer-predisposing syndrome. Also called: Tumor predisposition; Hereditary neoplastic syndrome; Neoplastic Syndromes, Hereditary; Hereditary Cancer Syndrome. Identifiers: Orphanet 140162, MedGen C0027672, MeSH D009386, MONDO:0015356.

Allele frequency attached by ClinVar (database versions not stated): TOPMed 0.00001.

Submissions (2):

Ambry Genetics
Classification: Uncertain significance for Hereditary cancer-predisposing syndrome. Last evaluated: 2025-10-23. Review status: criteria provided, single submitter. Criteria: Ambry Variant Classification Scheme 2023. Collection method: clinical testing. Allele origin: germline.
Comment: The p.K616E variant (also known as c.1846A>G), located in coding exon 14 of the SDHA gene, results from an A to G substitution at nucleotide position 1846. The lysine at codon 616 is replaced by glutamic acid, an amino acid with similar properties. This amino acid position is conserved. In addition, the in silico prediction for this alteration is inconclusive. Since supporting evidence is limited at this time, the clinical significance of this alteration remains unclear.

Labcorp Genetics (formerly Invitae), Labcorp
Classification: Uncertain significance for Pheochromocytoma/paraganglioma syndrome 5; Mitochondrial complex II deficiency, nuclear type 1. Last evaluated: 2024-05-21. Review status: criteria provided, single submitter. Criteria: Invitae Variant Classification Sherloc (09022015). Collection method: clinical testing. Allele origin: germline.
Comment: This sequence change replaces lysine, which is basic and polar, with glutamic acid, which is acidic and polar, at codon 616 of the SDHA protein (p.Lys616Glu). This variant is not present in population databases (gnomAD no frequency). This variant has not been reported in the literature in individuals affected with SDHA-related conditions. ClinVar contains an entry for this variant (Variation ID: 848077). Advanced modeling of protein sequence and biophysical properties (such as structural, functional, and spatial information, amino acid conservation, physicochemical variation, residue mobility, and thermodynamic stability) performed at Invitae indicates that this missense variant is not expected to disrupt SDHA protein function with a negative predictive value of 95%. In summary, the available evidence is currently insufficient to determine the role of this variant in disease. Therefore, it has been classified as a Variant of Uncertain Significance.